The following is an entry in ClinVar:

NM_178138.6(LHX3):c.93C>A (p.Cys31Ter)

Gene: LHX3 (LIM homeobox 3; minus strand). Cytogenetic location: 9q34.3.
Variant type: single nucleotide variant.
Coding change: c.93C>A on transcript NM_178138.6 (MANE Select); coding-DNA position 93, C replaced by A.
Protein change: p.Cys31Ter; replaces cysteine 31 with a stop codon.
Molecular consequence: nonsense.
Genome position (GRCh38, 1-based): chr9:136,200,740, G>T on the plus strand (C>A on the coding strand, the complement: LHX3 is on the minus strand). VCF-style: chr9-136200740-G-T. GRCh37 (hg19) VCF-style: chr9-139092586-G-T.
Other names: c.108C>A (NM_014564.4); c.60C>A, p.Cys20Ter (NM_001363746.1); c.108C>A, p.Cys36Ter (NM_014564.5); short protein forms C20*, C31*, C36*.
Identifiers: ClinVar variation 2115867 (VCV002115867.5), dbSNP rs558712702, ClinGen allele CA375520774.

ClinVar aggregate classification (germline): Pathogenic/Likely pathogenic. Review status: criteria provided, multiple submitters, no conflicts (2 of 4 stars). 2 submissions from 2 submitters: Pathogenic (1); Likely pathogenic (1). Last evaluated 2025-06-19.

Conditions:
Non-acquired combined pituitary hormone deficiency with spine abnormalities (CPHD3). Also called: Winkelman Bethge Pfeiffer syndrome; WBP syndrome; Combined pituitary hormone deficiency type 3. Identifiers: Orphanet 231720, MedGen C3489787, MONDO:0009091, OMIM 221750.

Submissions (2):

Natera, Inc.
Classification: Likely pathogenic for Combined pituitary hormone deficiency type 3. Last evaluated: 2025-06-19. Review status: criteria provided, single submitter. Criteria: Natera Variant Classification Schema (03/2026). Collection method: clinical testing. Allele origin: germline.
Comment: The c.108C>A variant in LHX3 is a nonsense variant predicted to introduce a stop codon at amino acid 36. This variant is expected to result in nonsense mediated decay, truncation, or a dysfunctional protein product. This variant is rare in the general population with a frequency below the threshold expected for the associated phenotype(s). Given the available evidence, this variant is classified as Likely Pathogenic.

Labcorp Genetics (formerly Invitae), Labcorp
Classification: Pathogenic. Last evaluated: 2022-03-29. Review status: criteria provided, single submitter. Criteria: Invitae Variant Classification Sherloc (09022015). Collection method: clinical testing. Allele origin: germline.
Comment: For these reasons, this variant has been classified as Pathogenic. This variant has not been reported in the literature in individuals affected with LHX3-related conditions. This variant is not present in population databases (gnomAD no frequency). This sequence change creates a premature translational stop signal (p.Cys36*) in the LHX3 gene. It is expected to result in an absent or disrupted protein product. Loss-of-function variants in LHX3 are known to be pathogenic (PMID: 16394081, 18407919).

Literature cited by the submitters: PubMed 16394081 (cited by Labcorp Genetics (formerly Invitae), Labcorp); PubMed 18407919 (cited by Labcorp Genetics (formerly Invitae), Labcorp).